The following is an entry in ClinVar:

NM_000545.8(HNF1A):c.*15C>T

Genes: C12orf43 (chromosome 12 open reading frame 43; minus strand), HNF1A (HNF1 homeobox A; plus strand). Cytogenetic location: 12q24.31.
Variant type: single nucleotide variant.
Coding change: c.*15C>T on transcript NM_000545.8 (MANE Select); 15 bases downstream of the stop codon, C replaced by T.
Molecular consequence: 3 prime UTR variant.
Genome position (GRCh38, 1-based): chr12:121,001,207, C>T. VCF-style: chr12-121001207-C-T. GRCh37 (hg19) VCF-style: chr12-121439010-C-T.
Other names: c.*2946G>A (NM_001286191.2, NM_001286196.2, NM_022895.3); c.*15C>T (NM_001306179.2, NM_001406915.1).
Identifiers: ClinVar variation 3251741 (VCV003251741.1), dbSNP rs1332633990.

ClinVar aggregate classification (germline): Uncertain significance (1 of 4 stars; one submission).

Allele frequency attached by ClinVar (database versions not stated): gnomAD exomes below 0.00001.
gnomAD v4.1: 1 of 1,613,674 alleles (0.000062%); highest among the groups gnomAD compares: Non-Finnish European, 0.000085%; no homozygotes.

Submission:

Women's Health and Genetics/Laboratory Corporation of America, LabCorp
Classification: Uncertain significance. Last evaluated: 2024-04-24. Review status: criteria provided, single submitter. Criteria: LabCorp Variant Classification Summary - May 2015. Collection method: clinical testing. Allele origin: germline.
Comment: Variant summary: HNF1A c.*15C>T is located in the untranslated mRNA region downstream of the termination codon. The variant allele was found at a frequency of 4e-06 in 249890 control chromosomes. The available data on variant occurrences in the general population are insufficient to allow any conclusion about variant significance. To our knowledge, no occurrence of c.*15C>T in individuals affected with Maturity Onset Diabetes Of The Young 3 and no experimental evidence demonstrating its impact on protein function have been reported. No submitters have cited clinical-significance assessments for this variant to ClinVar. Based on the evidence outlined above, the variant was classified as uncertain significance.